The following is an entry in ClinVar:

NM_030943.4(AMN):c.208-13_211del

Genes: AMN (amnion associated transmembrane protein; plus strand), LOC130056553 (ATAC-STARR-seq lymphoblastoid silent region 6135; plus strand). Cytogenetic location: 14q32.32.
Variant type: Deletion.
Coding change: c.208-13_211del on transcript NM_030943.4 (MANE Select); 13 bases into the intron before coding-DNA position 208 through coding-DNA position 211, 17 bases deleted (GTGTCTCTTGCAGCTCC).
Molecular consequence: splice acceptor variant.
Genome position (GRCh38, 1-based): chr14:102,928,413-102,928,429, GTGTCTCTTGCAGCTCC deleted; deleting any 17 consecutive bases within chr14:102,928,411-102,928,429 gives the same sequence; the c. name uses the placement nearest the transcript's 3' end. VCF-style (leftmost placement, unchanged base first): chr14-102928410-CCCGTGTCTCTTGCAGCT-C. GRCh37 (hg19) VCF-style: chr14-103394747-CCCGTGTCTCTTGCAGCT-C.
Other names: c.46-13_49del (NM_001425246.1).
Identifiers: ClinVar variation 3576375 (VCV003576375.4).
Genomic context (GRCh38, chr14:102,928,410, plus strand): 5'-GGGGACTGGGGGCGGGGTGGGCGCGGAGCAGGCCCGGACCCCCGCGTGGCGCCGCCTCAG[CCCGTGTCTCTTGCAGCT>C]CCTGCCGCTGGATGGGGAACTCGTCCTGGCTTCAGGAGCCGGATTCGGCGTCTCAGACGT-3'

ClinVar aggregate classification (germline): Likely pathogenic. Review status: criteria provided, multiple submitters, no conflicts (2 of 4 stars). 3 submissions from 3 submitters: Likely pathogenic (3). Last evaluated 2024-05-08.

Conditions:
Imerslund-Grasbeck syndrome type 2. Also called: Megaloblastic anemia 1, Norwegian type; MEGALOBLASTIC ANEMIA, NORWEGIAN TYPE; Imerslund-Gräsbeck syndrome 2. Identifiers: MedGen C4016948, MONDO:0100157, OMIM 618882.
Imerslund-Grasbeck syndrome. Also called: ENTEROCYTE COBALAMIN MALABSORPTION; ENTEROCYTE INTRINSIC FACTOR RECEPTOR, DEFECT OF; PERNICIOUS ANEMIA, JUVENILE, DUE TO SELECTIVE INTESTINAL MALABSORPTION OF VITAMIN B12, WITH PROTEINURIA; Megaloblastic anemia due to inborn errors of metabolism; Imerslund-Gräsbeck syndrome. Identifiers: Orphanet 35858, MedGen C4551825, MONDO:0009853.
AMN-related disorder. Also called: AMN-related condition.

Submissions (3):

Fulgent Genetics
Classification: Likely pathogenic for Imerslund-Grasbeck syndrome type 2. Last evaluated: 2024-05-08. Review status: criteria provided, single submitter. Criteria: ACMG Guidelines, 2015. Collection method: clinical testing. Allele origin: germline.

Labcorp Genetics (formerly Invitae), Labcorp
Classification: Likely pathogenic for Imerslund-Grasbeck syndrome. Last evaluated: 2024-02-05. Review status: criteria provided, single submitter. Criteria: Invitae Variant Classification Sherloc (09022015). Collection method: clinical testing. Allele origin: germline.
Comment: This variant results in the deletion of part of exon 4 (c.208-13_211del) of the AMN gene. It is expected to disrupt RNA splicing. Variants that disrupt the donor or acceptor splice site typically lead to a loss of protein function (PMID: 16199547), and loss-of-function variants in AMN are known to be pathogenic (PMID: 12590260, 22929189). This variant is present in population databases (no rsID available, gnomAD 0.002%). This variant has not been reported in the literature in individuals affected with AMN-related conditions. In summary, the currently available evidence indicates that the variant is pathogenic, but additional data are needed to prove that conclusively. Therefore, this variant has been classified as Likely Pathogenic.

Blueprint Genetics
Classification: Likely pathogenic for AMN-related disorders. Last evaluated: 2021-08-05. Review status: criteria provided, single submitter. Criteria: ACMG Guidelines, 2015. Collection method: clinical testing. Allele origin: germline. Affected: yes. Observed: 1 variant allele.

Literature cited by the submitters: PubMed 16199547 (cited by Labcorp Genetics (formerly Invitae), Labcorp); PubMed 12590260 (cited by Labcorp Genetics (formerly Invitae), Labcorp); PubMed 22929189 (cited by Labcorp Genetics (formerly Invitae), Labcorp).